The following is an entry in ClinVar:

NM_001001331.4(ATP2B2):c.1631T>C (p.Ile544Thr)

Gene: ATP2B2 (ATPase plasma membrane Ca2+ transporting 2; minus strand). Cytogenetic location: 3p25.3.
Variant type: single nucleotide variant.
Coding change: c.1631T>C on transcript NM_001001331.4 (MANE Select); coding-DNA position 1631, T replaced by C.
Protein change: p.Ile544Thr; replaces isoleucine 544 with threonine.
Molecular consequence: missense variant.
Genome position (GRCh38, 1-based): chr3:10,371,837, A>G on the plus strand (T>C on the coding strand, the complement: ATP2B2 is on the minus strand). VCF-style: chr3-10371837-A-G. GRCh37 (hg19) VCF-style: chr3-10413521-A-G.
Other names: c.1496T>C, p.Ile499Thr (NM_001330611.3, NM_001353564.1, NM_001363862.1 and 1 more transcripts); short protein forms I499T, I544T.
Identifiers: ClinVar variation 3626393 (VCV003626393.2).

ClinVar aggregate classification (germline): Uncertain significance (1 of 4 stars; one submission).

gnomAD v4.1: 42 of 1,614,004 alleles (0.0026%); highest among the groups gnomAD compares: Non-Finnish European, 0.0036%; no homozygotes.

Submission:

Labcorp Genetics (formerly Invitae), Labcorp
Classification: Uncertain significance. Last evaluated: 2024-12-03. Review status: criteria provided, single submitter. Criteria: Invitae Variant Classification Sherloc (09022015). Collection method: clinical testing. Allele origin: germline.
Comment: This sequence change replaces isoleucine, which is neutral and non-polar, with threonine, which is neutral and polar, at codon 499 of the ATP2B2 protein (p.Ile499Thr). This variant is present in population databases (rs756122323, gnomAD 0.002%). This variant has not been reported in the literature in individuals affected with ATP2B2-related conditions. Invitae Evidence Modeling of protein sequence and biophysical properties (such as structural, functional, and spatial information, amino acid conservation, physicochemical variation, residue mobility, and thermodynamic stability) indicates that this missense variant is not expected to disrupt ATP2B2 protein function with a negative predictive value of 80%. In summary, the available evidence is currently insufficient to determine the role of this variant in disease. Therefore, it has been classified as a Variant of Uncertain Significance.